The following is an entry in ClinVar:

ClinVar aggregate classification (germline): Uncertain significance (1 of 4 stars; one submission).

Allele frequency attached by ClinVar (database versions not stated): gnomAD exomes below 0.00001; ExAC 0.00001.

Submission:

Labcorp Genetics (formerly Invitae), Labcorp
Classification: Uncertain significance. Last evaluated: 2024-12-22. Review status: criteria provided, single submitter. Criteria: Invitae Variant Classification Sherloc (09022015). Collection method: clinical testing. Allele origin: germline.
Comment: This sequence change replaces alanine, which is neutral and non-polar, with serine, which is neutral and polar, at codon 727 of the CAD protein (p.Ala727Ser). This variant is present in population databases (rs770968496, gnomAD 0.003%). This variant has not been reported in the literature in individuals affected with CAD-related conditions. ClinVar contains an entry for this variant (Variation ID: 1346174). Invitae Evidence Modeling of protein sequence and biophysical properties (such as structural, functional, and spatial information, amino acid conservation, physicochemical variation, residue mobility, and thermodynamic stability) indicates that this missense variant is not expected to disrupt CAD protein function with a negative predictive value of 80%. In summary, the available evidence is currently insufficient to determine the role of this variant in disease. Therefore, it has been classified as a Variant of Uncertain Significance.

NM_004341.5(CAD):c.2179G>T (p.Ala727Ser)

Gene: CAD (carbamoyl-phosphate synthetase 2, aspartate transcarbamylase, and dihydroorotase; plus strand). Cytogenetic location: 2p23.3.
Variant type: single nucleotide variant.
Coding change: c.2179G>T on transcript NM_004341.5 (MANE Select); coding-DNA position 2179, G replaced by T.
Protein change: p.Ala727Ser; replaces alanine 727 with serine.
Molecular consequence: missense variant.
Genome position (GRCh38, 1-based): chr2:27,226,854, G>T. VCF-style: chr2-27226854-G-T. GRCh37 (hg19) VCF-style: chr2-27449722-G-T.
Other names: c.1990G>T, p.Ala664Ser (NM_001306079.2); short protein forms A727S, A664S.
Identifiers: ClinVar variation 1346174 (VCV001346174.7), dbSNP rs770968496, ClinGen allele CA1572943.
Genomic context (GRCh38, chr2:27,226,854, plus strand): 5'-TTCACTGTCCTTCTGGCATCCCACCTGCTGGACCCCAGGAACTCTGTGACAGGGGGTACA[G>T]CAGCCTTTGAACCCAGCGTGGATTATTGTGTGGTGAAGATTCCTCGATGGGACCTTAGCA-3'
Protein context (NP_004332.2, residues 717-737): ELRNSVTGGT[Ala727Ser]AFEPSVDYCV